The following is an entry in ClinVar:

ClinVar aggregate classification (germline): Uncertain significance (1 of 4 stars; one submission).

Conditions:
Isovaleryl-CoA dehydrogenase deficiency (IVA). Also called: Isovaleric acidemia; ISOVALERIC ACID CoA DEHYDROGENASE DEFICIENCY; Classic Isovaleric Acidemia; IVD DEFICIENCY. Identifiers: Orphanet 33, MedGen C0268575, MONDO:0009475, OMIM 243500.

Submission:

Labcorp Genetics (formerly Invitae), Labcorp
Classification: Uncertain significance for Isovaleryl-CoA dehydrogenase deficiency. Last evaluated: 2019-11-12. Review status: criteria provided, single submitter. Criteria: Invitae Variant Classification Sherloc (09022015). Collection method: clinical testing. Allele origin: germline.
Comment: In summary, the available evidence is currently insufficient to determine the role of this variant in disease. Therefore, it has been classified as a Variant of Uncertain Significance. Nucleotide substitutions within the consensus splice site are a relatively common cause of aberrant splicing (PMID: 17576681, 9536098). Algorithms developed to predict the effect of sequence changes on RNA splicing suggest that this variant may disrupt the consensus splice site, but this prediction has not been confirmed by published transcriptional studies. Algorithms developed to predict the effect of missense changes on protein structure and function (SIFT, PolyPhen-2, Align-GVGD) all suggest that this variant is likely to be disruptive, but these predictions have not been confirmed by published functional studies and their clinical significance is uncertain. This variant has not been reported in the literature in individuals with IVD-related conditions. This variant is not present in population databases (ExAC no frequency). This sequence change replaces glycine with arginine at codon 383 of the IVD protein (p.Gly383Arg). The glycine residue is highly conserved and there is a moderate physicochemical difference between glycine and arginine. This variant also falls at the last nucleotide of exon 11 of the IVD coding sequence, which is part of the consensus splice site for this exon.

Literature cited by the submitters: PubMed 17576681; PubMed 9536098.

NM_002225.5(IVD):c.1138G>C (p.Gly380Arg)

Gene: IVD (isovaleryl-CoA dehydrogenase; plus strand). Cytogenetic location: 15q15.1.
Variant type: single nucleotide variant.
Coding change: c.1138G>C on transcript NM_002225.5 (MANE Select); coding-DNA position 1138, G replaced by C.
Protein change: p.Gly380Arg; replaces glycine 380 with arginine.
Molecular consequence: missense variant. On other transcripts: non-coding transcript variant (1).
Genome position (GRCh38, 1-based): chr15:40,416,362, G>C. VCF-style: chr15-40416362-G-C. GRCh37 (hg19) VCF-style: chr15-40708561-G-C.
Other names: c.1048G>C, p.Gly350Arg (NM_001159508.3); c.1090G>C, p.Gly364Arg (NM_001354597.3); c.1138G>C, p.Gly380Arg (NM_001354598.3, NM_001354601.3); c.1225G>C, p.Gly409Arg (NM_001354599.3, NM_001354600.3); short protein forms G364R, G380R, G350R, G409R.
Identifiers: ClinVar variation 959498 (VCV000959498.9), dbSNP rs1891683650, ClinGen allele CA391723931.